The following is an entry in ClinVar:

ClinVar aggregate classification (germline): Uncertain significance (1 of 4 stars; one submission).

Conditions:
Autosomal recessive limb-girdle muscular dystrophy type 2J (LGMDR10). Also called: Limb-girdle muscular dystrophy, type 2J; MUSCULAR DYSTROPHY, LIMB-GIRDLE, AUTOSOMAL RECESSIVE 10. Identifiers: Orphanet 140922, MedGen C1837342, MONDO:0012127, OMIM 608807.
Dilated cardiomyopathy 1G (CMD1G). Identifiers: Orphanet 154, MedGen C1858763, MONDO:0011400, OMIM 604145.

Submission:

Labcorp Genetics (formerly Invitae), Labcorp
Classification: Uncertain significance for Dilated cardiomyopathy 1G; Autosomal recessive limb-girdle muscular dystrophy type 2J. Last evaluated: 2023-01-14. Review status: criteria provided, single submitter. Criteria: Invitae Variant Classification Sherloc (09022015). Collection method: clinical testing. Allele origin: germline.
Comment: This variant has not been reported in the literature in individuals affected with TTN-related conditions. This variant is not present in population databases (gnomAD no frequency). This sequence change replaces glutamine, which is neutral and polar, with histidine, which is basic and polar, at codon 34141 of the TTN protein (p.Gln34141His). In summary, the available evidence is currently insufficient to determine the role of this variant in disease. Therefore, it has been classified as a Variant of Uncertain Significance. This variant is located in the M band of TTN (PMID: 25589632). Variants in this region may be relevant for neuromuscular disorders, but have not been definitively shown to cause cardiomyopathy (PMID: 23975875). Experimental studies and prediction algorithms are not available or were not evaluated, and the functional significance of this variant is currently unknown. ClinVar contains an entry for this variant (Variation ID: 535001).

Literature cited by the submitters: PubMed 25589632; PubMed 23975875.

NM_001267550.2(TTN):c.102423G>T (p.Gln34141His)

Genes: TTN (titin; minus strand), TTN-AS1 (TTN antisense RNA 1; plus strand). Cytogenetic location: 2q31.2.
Variant type: single nucleotide variant.
Coding change: c.102423G>T on transcript NM_001267550.2 (MANE Select); coding-DNA position 102423, G replaced by T.
Protein change: p.Gln34141His; replaces glutamine 34141 with histidine.
Molecular consequence: missense variant.
Genome position (GRCh38, 1-based): chr2:178,534,192, C>A on the plus strand (G>T on the coding strand, the complement: TTN is on the minus strand). VCF-style: chr2-178534192-C-A. GRCh37 (hg19) VCF-style: chr2-179398919-C-A.
Other names: c.97500G>T, p.Gln32500His (NM_001256850.1); c.75228G>T, p.Gln25076His (NM_003319.4); c.94719G>T, p.Gln31573His (NM_133378.4); c.75603G>T, p.Gln25201His (NM_133432.3); c.75804G>T, p.Gln25268His (NM_133437.4); short protein forms Q34141H, Q25201H, Q25268H, Q31573H, Q32500H, Q25076H.
Identifiers: ClinVar variation 535001 (VCV000535001.9), dbSNP rs1553495068, ClinGen allele CA349417573.
Genomic context (GRCh38, chr2:178,534,192, plus strand): 5'-ATTTTCAATTTTGCATACATATTTGACATGTCCTCCTTCTTCACCAACTGCATGCATTAT[C>A]TGCCCAGAAACTGGGCCAATTTCAATGGATGCCACTTTAACTTTAGCAACACTCACTCCC-3'
Protein context (NP_001254479.2, residues 34131-34151): ASIEIGPVSG[Gln34141His]IMHAVGEEGG